The following is an entry in ClinVar:

NM_001197104.2(KMT2A):c.532A>G (p.Arg178Gly)

Gene: KMT2A (lysine methyltransferase 2A; plus strand). Cytogenetic location: 11q23.3.
Variant type: single nucleotide variant.
Coding change: c.532A>G on transcript NM_001197104.2 (MANE Select); coding-DNA position 532, A replaced by G.
Protein change: p.Arg178Gly; replaces arginine 178 with glycine.
Molecular consequence: missense variant.
Genome position (GRCh38, 1-based): chr11:118,471,691, A>G. VCF-style: chr11-118471691-A-G. GRCh37 (hg19) VCF-style: chr11-118342406-A-G.
Other names: c.631A>G, p.Arg211Gly (NM_001412597.1); c.532A>G, p.Arg178Gly (NM_005933.4); short protein forms R178G, R211G.
Identifiers: ClinVar variation 2013188 (VCV002013188.4), dbSNP rs2496790905, ClinGen allele CA382806564.

ClinVar aggregate classification (germline): Uncertain significance (1 of 4 stars; one submission).

Submission:

Labcorp Genetics (formerly Invitae), Labcorp
Classification: Uncertain significance. Last evaluated: 2022-07-02. Review status: criteria provided, single submitter. Criteria: Invitae Variant Classification Sherloc (09022015). Collection method: clinical testing. Allele origin: germline.
Comment: In summary, the available evidence is currently insufficient to determine the role of this variant in disease. Therefore, it has been classified as a Variant of Uncertain Significance. Advanced modeling of protein sequence and biophysical properties (such as structural, functional, and spatial information, amino acid conservation, physicochemical variation, residue mobility, and thermodynamic stability) performed at Invitae indicates that this missense variant is expected to disrupt KMT2A protein function. This variant has not been reported in the literature in individuals affected with KMT2A-related conditions. This variant is not present in population databases (gnomAD no frequency). This sequence change replaces arginine, which is basic and polar, with glycine, which is neutral and non-polar, at codon 178 of the KMT2A protein (p.Arg178Gly).